The following is an entry in ClinVar:

NM_000283.4(PDE6B):c.2331C>T (p.Phe777=)

Gene: PDE6B (phosphodiesterase 6B; plus strand). Cytogenetic location: 4p16.3.
Variant type: single nucleotide variant.
Coding change: c.2331C>T on transcript NM_000283.4 (MANE Select); coding-DNA position 2331, C replaced by T.
Protein change: p.Phe777=; no amino-acid change (phenylalanine 777 retained).
Molecular consequence: synonymous variant.
Genome position (GRCh38, 1-based): chr4:666,593, C>T. VCF-style: chr4-666593-C-T. GRCh37 (hg19) VCF-style: chr4-660382-C-T.
Other names: c.2331C>T, p.Phe777= (NM_001145291.2); c.1494C>T, p.Phe498= (NM_001145292.2, NM_001350154.3, NM_001379246.1 and 1 more transcripts); c.1176C>T, p.Phe392= (NM_001350155.3).
Identifiers: ClinVar variation 349393 (VCV000349393.17), dbSNP rs35792756, ClinGen allele CA2795010.

ClinVar aggregate classification (germline): Benign/Likely benign. Review status: criteria provided, multiple submitters, no conflicts (2 of 4 stars). 5 submissions from 4 submitters: Benign (2); Likely benign (3). Last evaluated 2026-02-02.

Conditions:
Congenital stationary night blindness autosomal dominant 2. Also called: NIGHT BLINDNESS, CONGENITAL STATIONARY, RAMBUSCH TYPE. Identifiers: Orphanet 215, MedGen C1876182, MONDO:0008099, OMIM 163500.
Retinitis pigmentosa 40 (RP40). Identifiers: Orphanet 791, MedGen C3151107, MONDO:0013429, OMIM 613801.
Retinitis pigmentosa (RP). Identifiers: Orphanet 791, MedGen C0035334, MeSH D012174, MONDO:0019200, OMIM 268000. Inheritance: Autosomal dominant, autosomal recessive and X linked inheritance.

Allele frequency attached by ClinVar (database versions not stated): gnomAD exomes 0.00250; ExAC 0.00303; gnomAD 0.00957 and 0.01026; 1000 Genomes Project 0.01058; ESP Exome Variant Server 0.01069; 1000 Genomes Project 30x 0.01109; TOPMed 0.01153.
gnomAD v4.1: 2,833 of 1,611,688 alleles (0.18%); highest among the groups gnomAD compares: African/African-American, 3.3%; 47 homozygotes.

Submissions (5):

Labcorp Genetics (formerly Invitae), Labcorp
Classification: Benign. Last evaluated: 2026-02-02. Review status: criteria provided, single submitter. Criteria: Invitae Variant Classification Sherloc (09022015). Collection method: clinical testing. Allele origin: germline.

Fulgent Genetics
Classification: Likely benign for Congenital stationary night blindness autosomal dominant 2; Retinitis pigmentosa 40. Last evaluated: 2022-04-04. Review status: criteria provided, single submitter. Criteria: ACMG Guidelines, 2015. Collection method: clinical testing. Allele origin: unknown.

Illumina Laboratory Services, Illumina
Classification: Likely benign for Retinitis pigmentosa. Last evaluated: 2018-01-13. Review status: criteria provided, single submitter. Criteria: ICSL Variant Classification Criteria 13 December 2019. Collection method: clinical testing. Allele origin: germline.
Comment: This variant was observed in the ICSL laboratory as part of a predisposition screen in an ostensibly healthy population. It had not been previously curated by ICSL or reported in the Human Gene Mutation Database (HGMD: prior to June 1st, 2018), and was therefore a candidate for classification through an automated scoring system. Utilizing variant allele frequency, disease prevalence and penetrance estimates, and inheritance mode, an automated score was calculated to assess if this variant is too frequent to cause the disease. Based on the score and internal cut-off values, a variant classified as likely benign is not then subjected to further curation. The score for this variant resulted in a classification of likely benign for this disease.

Illumina Laboratory Services, Illumina
Classification: Benign for Congenital stationary night blindness autosomal dominant 2. Last evaluated: 2018-01-13. Review status: criteria provided, single submitter. Criteria: ICSL Variant Classification Criteria 13 December 2019. Collection method: clinical testing. Allele origin: germline.
Comment: This variant was observed in the ICSL laboratory as part of a predisposition screen in an ostensibly healthy population. It had not been previously curated by ICSL or reported in the Human Gene Mutation Database (HGMD: prior to June 1st, 2018), and was therefore a candidate for classification through an automated scoring system. Utilizing variant allele frequency, disease prevalence and penetrance estimates, and inheritance mode, an automated score was calculated to assess if this variant is too frequent to cause the disease. Based on the score and internal cut-off values, a variant classified as benign is not then subjected to further curation. The score for this variant resulted in a classification of benign for this disease.

Breakthrough Genomics
Classification: Likely benign. Review status: criteria provided, single submitter. Criteria: ACMG Guidelines, 2015. Collection method: not provided. Allele origin: germline. Inheritance: Autosomal recessive inheritance. Affected: yes.